The following is an entry in ClinVar:

ClinVar aggregate classification (germline): Uncertain significance (1 of 4 stars; one submission).

Conditions:
Spastic paraplegia. Identifiers: MedGen C0037772, HP:0001258.

Submission:

Labcorp Genetics (formerly Invitae), Labcorp
Classification: Uncertain significance for Spastic paraplegia. Last evaluated: 2023-10-03. Review status: criteria provided, single submitter. Criteria: Invitae Variant Classification Sherloc (09022015). Collection method: clinical testing. Allele origin: germline.
Comment: This sequence change replaces cysteine, which is neutral and slightly polar, with tyrosine, which is neutral and polar, at codon 169 of the KIF5A protein (p.Cys169Tyr). This variant is not present in population databases (gnomAD no frequency). This variant has not been reported in the literature in individuals affected with KIF5A-related conditions. Advanced modeling of protein sequence and biophysical properties (such as structural, functional, and spatial information, amino acid conservation, physicochemical variation, residue mobility, and thermodynamic stability) has been performed at Invitae for this missense variant, however the output from this modeling did not meet the statistical confidence thresholds required to predict the impact of this variant on KIF5A protein function. In summary, the available evidence is currently insufficient to determine the role of this variant in disease. Therefore, it has been classified as a Variant of Uncertain Significance.

NM_004984.4(KIF5A):c.506G>A (p.Cys169Tyr)

Gene: KIF5A (kinesin family member 5A; plus strand). Cytogenetic location: 12q13.3.
Variant type: single nucleotide variant.
Coding change: c.506G>A on transcript NM_004984.4 (MANE Select); coding-DNA position 506, G replaced by A.
Protein change: p.Cys169Tyr; replaces cysteine 169 with tyrosine.
Molecular consequence: missense variant.
Genome position (GRCh38, 1-based): chr12:57,567,130, G>A. VCF-style: chr12-57567130-G-A. GRCh37 (hg19) VCF-style: chr12-57960913-G-A.
Other names: c.239G>A, p.Cys80Tyr (NM_001354705.2); short protein forms C80Y, C169Y.
Identifiers: ClinVar variation 2863831 (VCV002863831.3), dbSNP rs748426915, ClinGen allele CA385497546.